The following is an entry in ClinVar:

NM_006279.5(ST3GAL3):c.210-1G>C

Gene: ST3GAL3 (ST3 beta-galactoside alpha-2,3-sialyltransferase 3; plus strand). Cytogenetic location: 1p34.1.
Variant type: single nucleotide variant.
Coding change: c.210-1G>C on transcript NM_006279.5 (MANE Select); the canonical splice acceptor site of the intron before coding-DNA position 210, G replaced by C.
Molecular consequence: splice acceptor variant. On other transcripts: intron variant (2).
Genome position (GRCh38, 1-based): chr1:43,838,218, G>C. VCF-style: chr1-43838218-G-C. GRCh37 (hg19) VCF-style: chr1-44303890-G-C.
Other names: c.210-1G>C (NM_001270459.2, NM_174966.4, NM_174967.4 and 1 more transcripts); c.209+23285G>C (NM_001270460.2); c.324-1G>C (NM_174971.5); c.162-1G>C (NM_001410781.1, NM_174969.4, NM_001270461.3 and 3 more transcripts); c.161+23285G>C (NM_001270462.3); c.417-1G>C (NM_174963.5); c.255-1G>C (NM_001350619.2, NM_174964.4, NM_174965.4); c.207-1G>C (NM_001270465.3, NM_001270463.3); and 2 more.
Identifiers: ClinVar variation 2011450 (VCV002011450.4), dbSNP rs2522893135, ClinGen allele CA340266375.

ClinVar aggregate classification (germline): Likely pathogenic (1 of 4 stars; one submission).

Conditions:
Early-infantile DEE. Also called: Early infantile epileptic encephalopathy; Ohtahara syndrome; Early infantile epileptic encephalopathy with suppression bursts. Identifiers: Orphanet 1934, MedGen C0393706, MONDO:0800491.

Submission:

Labcorp Genetics (formerly Invitae), Labcorp
Classification: Likely pathogenic for Early-infantile DEE. Last evaluated: 2022-06-27. Review status: criteria provided, single submitter. Criteria: Invitae Variant Classification Sherloc (09022015). Collection method: clinical testing. Allele origin: germline.
Comment: In summary, the currently available evidence indicates that the variant is pathogenic, but additional data are needed to prove that conclusively. Therefore, this variant has been classified as Likely Pathogenic. Algorithms developed to predict the effect of sequence changes on RNA splicing suggest that this variant may disrupt the consensus splice site. This variant has not been reported in the literature in individuals affected with ST3GAL3-related conditions. This variant is not present in population databases (gnomAD no frequency). This sequence change affects an acceptor splice site in intron 4 of the ST3GAL3 gene. It is expected to disrupt RNA splicing. Variants that disrupt the donor or acceptor splice site typically lead to a loss of protein function (PMID: 16199547), and loss-of-function variants in ST3GAL3 are known to be pathogenic (PMID: 31584066).

Literature cited by the submitters: PubMed 16199547; PubMed 31584066.